The following is an entry in ClinVar:

ClinVar aggregate classification (germline): Uncertain significance. Review status: criteria provided, multiple submitters, no conflicts (2 of 4 stars). 6 submissions from 6 submitters: Uncertain significance (5). 1 of the submissions does not count toward it. Last evaluated 2026-05-30.

Conditions:
MFN2-related disorder. Also called: MFN2-related condition; MFN2-related disorders.
Charcot-Marie-Tooth disease type 2. Also called: Charcot-Marie-Tooth type 2. Identifiers: Orphanet 64746, MedGen C0270914, MONDO:0018993.
Charcot-Marie-Tooth disease, axonal, autosomal recessive, type 2a2b;. Also called: Charcot-Marie-Tooth disease, axonal, autosomal recessive, type 2A2B; Charcot-Marie-Tooth disease, axonal, type 2A2B. Identifiers: MedGen C4310725, MONDO:0014906, OMIM 617087.
Multiple symmetric lipomatosis. Also called: Madelung disease; Benign symmetrical lipomatosis; LIPODYSTROPHY, CEPHALOTHORACIC; Launois-Bensaude syndrome; Madelung's disease. Identifiers: Orphanet 2398, MedGen C0023804, MONDO:0007908, OMIM 151800.
Neuropathy, hereditary motor and sensory, type 6A (HMSN6A). Also called: HMSN VIA; CHARCOT-MARIE-TOOTH DISEASE, TYPE 6A; NEUROPATHY, HEREDITARY MOTOR AND SENSORY, TYPE VIA; NEUROPATHY, HEREDITARY MOTOR AND SENSORY, TYPE VIA, WITH OPTIC ATROPHY. Identifiers: MedGen CN305336, MONDO:0011002, OMIM 601152.
Inborn genetic diseases. Identifiers: MedGen C0950123, MeSH D030342.
Charcot-Marie-Tooth disease type 2A2. Also called: HEREDITARY MOTOR AND SENSORY NEUROPATHY IIA2; HMSN IIA2; CHARCOT-MARIE-TOOTH DISEASE, AXONAL, TYPE 2A2; CHARCOT-MARIE-TOOTH DISEASE, NEURONAL, TYPE 2A2; CHARCOT-MARIE-TOOTH DISEASE, AXONAL, AUTOSOMAL DOMINANT, TYPE 2A2A; Charcot-Marie-Tooth Neuropathy Type 2A2. Identifiers: Orphanet 99947, MedGen C4721887, MONDO:0012231, OMIM 609260.

Allele frequency attached by ClinVar (database versions not stated): TOPMed 0.00001.
gnomAD v4.1: 23 of 1,614,110 alleles (0.0014%); highest among the groups gnomAD compares: Non-Finnish European, 0.0018%; 1 homozygote.

Submissions (6):

PreventionGenetics, part of Exact Sciences
Classification: Uncertain significance for MFN2-related condition. Last evaluated: 2026-05-30. Review status: criteria provided, single submitter. Criteria: ACMG Guidelines, 2015. Collection method: clinical testing. Allele origin: germline.
Comment: The MFN2 c.1555C>T variant is predicted to result in the amino acid substitution p.Arg519Cys. To our knowledge, this variant has not been reported in the literature. This variant is reported in 0.0035% of alleles in individuals of European (non-Finnish) descent in gnomAD. At this time, the clinical significance of this variant is uncertain due to the absence of conclusive functional and genetic evidence.

Labcorp Genetics (formerly Invitae), Labcorp
Classification: Uncertain significance for Charcot-Marie-Tooth disease type 2. Last evaluated: 2023-11-07. Review status: criteria provided, single submitter. Criteria: Invitae Variant Classification Sherloc (09022015). Collection method: clinical testing. Allele origin: germline.
Comment: This sequence change replaces arginine, which is basic and polar, with cysteine, which is neutral and slightly polar, at codon 519 of the MFN2 protein (p.Arg519Cys). This variant is present in population databases (no rsID available, gnomAD 0.004%). This variant has not been reported in the literature in individuals affected with MFN2-related conditions. ClinVar contains an entry for this variant (Variation ID: 522942). Advanced modeling of protein sequence and biophysical properties (such as structural, functional, and spatial information, amino acid conservation, physicochemical variation, residue mobility, and thermodynamic stability) has been performed at Invitae for this missense variant, however the output from this modeling did not meet the statistical confidence thresholds required to predict the impact of this variant on MFN2 protein function. In summary, the available evidence is currently insufficient to determine the role of this variant in disease. Therefore, it has been classified as a Variant of Uncertain Significance.

Genomic Research Center, Shahid Beheshti University of Medical Sciences
Classification: Uncertain significance for Charcot-Marie-Tooth disease type 2A2. Last evaluated: 2023-10-07. Review status: criteria provided, single submitter. Criteria: ACMG Guidelines, 2015. Collection method: clinical testing. Allele origin: unknown. Affected: yes.

Ambry Genetics
Classification: Uncertain significance for Inborn genetic diseases. Last evaluated: 2023-07-17. Review status: criteria provided, single submitter. Criteria: Ambry Variant Classification Scheme 2023. Collection method: clinical testing. Allele origin: germline.

Victorian Clinical Genetics Services, Murdoch Childrens Research Institute
Classification: Uncertain significance for Neuropathy, hereditary motor and sensory, type 6A. Last evaluated: 2021-05-06. Review status: criteria provided, single submitter. Criteria: ACMG Guidelines, 2015. Collection method: clinical testing. Allele origin: germline. Inheritance: Autosomal dominant inheritance. Affected: yes.
Comment: Based on the classification scheme VCGS_Germline_v1.3.4, this variant is classified as VUS-3A. Following criteria are met: 0102 - Loss of function is a known mechanism of disease in this gene and is associated with type 2A2A axonal Charcot-Marie-Tooth disease (MIM#609260), type 2A2B axonal Charcot-Marie-Tooth disease (MIM#617087) and hereditary motor and sensory neuropathy VIA (MIM#601152). (I) 0108 - This gene is associated with both recessive and dominant disease. The associated diseases are predominantly monoalellic, however biallelic variants have also been reported in early-onset severe cases (OMIM). (I) 0112 - The condition associated with this gene has incomplete penetrance. Monoallelic variants in early-onset cases have been reported to be inherited from unaffected parents (OMIM, PMID: 26686600). (I) 0115 - Variants in this gene are known to have variable expressivity. Pathogenic variants have been shown to result in different phenotypic spectrums within members of the same family (OMIM). (I) 0200 - Variant is predicted to result in a missense amino acid change from arginine to cysteine. (I) 0251 - This variant is heterozygous. (I) 0304 - Variant is present in gnomAD (v2) <0.01 (4 heterozygotes, 0 homozygotes). (SP) 0309 - Alternative amino acid changes at the same position have been observed in gnomAD (v3) (2 heterozygotes, 0 homozygotes). (I) 0502 - Missense variant with conflicting in silico predictions and uninformative conservation. (I) 0604 - Variant is not located in an established domain, motif, hotspot or informative constraint region. (I) 0704 - Another missense variant comparable to the one identified in this case has limited previous evidence for pathogenicity. An alternate change (p.(Arg519Pro)) has been reported as compound heterozygous in an individual with early-onset axonal Charcot-Marie-Tooth disease (PMID: 21715711). (SP) 0803 - This variant has limited previous evidence of pathogenicity in an unrelated individual. It has been reported as likely pathogenic once in ClinVar. (SP) 0905 - No published segregation evidence has been identified for this variant. (I) 1007 - No published functional evidence has been identified for this variant. (I) 1208 - Inheritance information for this variant is not currently available in this individual. (I) Legend: (SP) - Supporting pathogenic, (I) - Information, (SB) - Supporting benign

Coban-Akdemir Lab, University of Texas Health Science Center
Classification: Uncertain significance for Charcot-Marie-Tooth disease, axonal, autosomal recessive, type 2a2b;; Multiple symmetric lipomatosis. Review status: no assertion criteria provided. Collection method: research. Allele origin: germline. Inheritance: Autosomal recessive inheritance. Affected: yes. Observed: 1 homozygote. Not counted in ClinVar's aggregate classification.

Literature cited by the submitters: PubMed 21715711 (cited by Victorian Clinical Genetics Services, Murdoch Childrens Research Institute); PubMed 26686600 (cited by Victorian Clinical Genetics Services, Murdoch Childrens Research Institute).

NM_014874.4(MFN2):c.1555C>T (p.Arg519Cys)

Gene: MFN2 (mitofusin 2; plus strand). Cytogenetic location: 1p36.22.
Variant type: single nucleotide variant.
Coding change: c.1555C>T on transcript NM_014874.4 (MANE Select); coding-DNA position 1555, C replaced by T.
Protein change: p.Arg519Cys; replaces arginine 519 with cysteine.
Molecular consequence: missense variant.
Genome position (GRCh38, 1-based): chr1:12,005,770, C>T. VCF-style: chr1-12005770-C-T. GRCh37 (hg19) VCF-style: chr1-12065827-C-T.
Other names: c.1555C>T, p.Arg519Cys (NM_001127660.2); short protein forms R519C.
Identifiers: ClinVar variation 522942 (VCV000522942.15), dbSNP rs369140232, ClinGen allele CA338447938.